The following is an entry in ClinVar:

ClinVar aggregate classification (germline): Likely pathogenic (1 of 4 stars; one submission).

Conditions:
Progressive muscular dystrophy. Identifiers: Orphanet 206644, MedGen C4551827, MONDO:0016106.

Submission:

Myriad Genetics, Inc.
Classification: Likely pathogenic for Progressive muscular dystrophy. Last evaluated: 2022-02-05. Review status: criteria provided, single submitter. Criteria: Myriad Autosomal Dominant, Autosomal Recessive and X-Linked Classification Criteria (2023). Collection method: clinical testing. Allele origin: unknown.
Comment: NM_004006.2(DMD):c.4715T>A(L1572*) is expected to be pathogenic in the context of dystrophinopathy (including Duchenne/Becker muscular dystrophy). This variant is predicted to lead to an abnormal or absent protein product due to the creation of a premature termination codon in DMD, a gene where loss-of-function variants are known to be pathogenic. Please note: this variant was assessed in the context of healthy population screening.

NM_004006.3(DMD):c.4715T>A (p.Leu1572Ter)

Gene: DMD (dystrophin; minus strand). Cytogenetic location: Xp21.1.
Variant type: single nucleotide variant.
Coding change: c.4715T>A on transcript NM_004006.3 (MANE Select); coding-DNA position 4715, T replaced by A.
Protein change: p.Leu1572Ter; replaces leucine 1572 with a stop codon.
Molecular consequence: nonsense.
Genome position (GRCh38, 1-based): chrX:32,380,640, A>T on the plus strand (T>A on the coding strand, the complement: DMD is on the minus strand). VCF-style: chrX-32380640-A-T. GRCh37 (hg19) VCF-style: chrX-32398757-A-T.
Other names: c.4691T>A, p.Leu1564Ter (NM_000109.4); c.4703T>A, p.Leu1568Ter (NM_004009.3); c.4346T>A, p.Leu1449Ter (NM_004010.3); c.692T>A, p.Leu231Ter (NM_004011.4); c.683T>A, p.Leu228Ter (NM_004012.4); short protein forms L1449*, L1564*, L1568*, L1572*, L228*, L231*.
Identifiers: ClinVar variation 1724304 (VCV001724304.3), dbSNP rs2522915885, ClinGen allele CA412661504.